The following is an entry in ClinVar:

ClinVar aggregate classification (germline): Pathogenic (1 of 4 stars; one submission).

Submission:

Labcorp Genetics (formerly Invitae), Labcorp
Classification: Pathogenic. Last evaluated: 2022-05-17. Review status: criteria provided, single submitter. Criteria: Invitae Variant Classification Sherloc (09022015). Collection method: clinical testing. Allele origin: germline.
Comment: For these reasons, this variant has been classified as Pathogenic. Algorithms developed to predict the effect of sequence changes on RNA splicing suggest that this variant may disrupt the consensus splice site. This variant has not been reported in the literature in individuals affected with DRAM2-related conditions. This variant is not present in population databases (gnomAD no frequency). This sequence change creates a premature translational stop signal (p.Gly99Glufs*3) in the DRAM2 gene. It is expected to result in an absent or disrupted protein product. Loss-of-function variants in DRAM2 are known to be pathogenic (PMID: 25983245).

Literature cited by the submitters: PubMed 25983245.

NM_001349884.2(DRAM2):c.296del (p.Gly99fs)

Gene: DRAM2 (DNA damage regulated autophagy modulator 2; minus strand). Cytogenetic location: 1p13.3.
Variant type: Deletion.
Coding change: c.296del on transcript NM_001349884.2 (MANE Select); coding-DNA position 296, one base deleted (G; older notation c.296delG).
Protein change: p.Gly99fs; shifts the reading frame from glycine 99.
Molecular consequence: frameshift variant. On other transcripts: 5 prime UTR variant (1), non-coding transcript variant (3), intron variant (7).
Genome position (GRCh38, 1-based): chr1:111,124,785, C deleted on the plus strand (G on the coding strand, the reverse complement: DRAM2 is on the minus strand); the first of 2 consecutive C bases (chr1:111,124,785-111,124,786); deleting either gives the same sequence. VCF-style (leftmost placement, unchanged base first): chr1-111124784-TC-T. GRCh37 (hg19) VCF-style: chr1-111667406-TC-T.
Other names: c.296del, p.Gly99fs (NM_001349881.2, NM_001349882.2, NM_001349885.2 and 1 more transcripts); c.-123del (NM_001349891.2); c.-52+1442del (NM_001349889.2, NM_001349890.2, NM_001349892.2 and 1 more transcripts); c.41+1442del (NM_001349887.2, NM_001349886.2, NM_001349888.2); short protein forms G99fs.
Identifiers: ClinVar variation 1941242 (VCV001941242.5), dbSNP rs2524746325, ClinGen allele CA2580060803.
Genomic context (GRCh38, chr1:111,124,784, plus strand): 5'-CTGGGCTAAAACACAAACCTGGAAGTTTGCCACAATAGAAAGTCCTAAACAACTCAGTAT[TC>T]CAAGTACAAGGCCAGCCTTGTTTAATTTGATGATAACGTTCTCTTCAGGACTCAGAGCAT-3'